The following is an entry in ClinVar:

NM_005419.4(STAT2):c.293C>T (p.Ser98Phe)

Gene: STAT2 (signal transducer and activator of transcription 2; minus strand). Cytogenetic location: 12q13.3.
Variant type: single nucleotide variant.
Coding change: c.293C>T on transcript NM_005419.4 (MANE Select); coding-DNA position 293, C replaced by T.
Protein change: p.Ser98Phe; replaces serine 98 with phenylalanine.
Molecular consequence: missense variant. On other transcripts: intron variant (3).
Genome position (GRCh38, 1-based): chr12:56,355,796, G>A on the plus strand (C>T on the coding strand, the complement: STAT2 is on the minus strand). VCF-style: chr12-56355796-G-A. GRCh37 (hg19) VCF-style: chr12-56749580-G-A.
Other names: c.293C>T, p.Ser98Phe (NM_001385111.1, NM_001385113.1, NM_001385114.1); c.286-5C>T (NM_001385110.1, NM_001385115.1, NM_198332.2); short protein forms S98F.
Identifiers: ClinVar variation 1506730 (VCV001506730.6), dbSNP rs1294214696, ClinGen allele CA385263660.

ClinVar aggregate classification (germline): Uncertain significance (1 of 4 stars; one submission).

Conditions:
Primary immunodeficiency with post-measles-mumps-rubella vaccine viral infection. Also called: Immunodeficiency 44. Identifiers: Orphanet 431166, MedGen C4225260, MONDO:0014715, OMIM 616636.

Allele frequency attached by ClinVar (database versions not stated): gnomAD exomes below 0.00001.
gnomAD v4.1: 4 of 1,614,034 alleles (0.00025%); highest among the groups gnomAD compares: Non-Finnish European, 0.00034%; no homozygotes.

Submission:

Labcorp Genetics (formerly Invitae), Labcorp
Classification: Uncertain significance for Primary immunodeficiency with post-measles-mumps-rubella vaccine viral infection. Last evaluated: 2022-02-04. Review status: criteria provided, single submitter. Criteria: Invitae Variant Classification Sherloc (09022015). Collection method: clinical testing. Allele origin: germline.
Comment: In summary, the available evidence is currently insufficient to determine the role of this variant in disease. Therefore, it has been classified as a Variant of Uncertain Significance. Advanced modeling of protein sequence and biophysical properties (such as structural, functional, and spatial information, amino acid conservation, physicochemical variation, residue mobility, and thermodynamic stability) performed at Invitae indicates that this missense variant is not expected to disrupt STAT2 protein function. This variant has not been reported in the literature in individuals affected with STAT2-related conditions. This variant is present in population databases (no rsID available, gnomAD 0.002%). This sequence change replaces serine, which is neutral and polar, with phenylalanine, which is neutral and non-polar, at codon 98 of the STAT2 protein (p.Ser98Phe).